The following is an entry in ClinVar:

ClinVar aggregate classification (germline): Uncertain significance (1 of 4 stars; one submission).

Allele frequency attached by ClinVar (database versions not stated): gnomAD exomes 0.00001; ExAC 0.00001.
gnomAD v4.1: 3 of 1,610,420 alleles (0.00019%); highest among the groups gnomAD compares: Admixed American, 0.0033%; no homozygotes.

Submission:

Laboratory for Molecular Medicine, Mass General Brigham Personalized Medicine
Classification: Uncertain significance. Last evaluated: 2016-08-04. Review status: criteria provided, single submitter. Criteria: LMM Criteria. Collection method: clinical testing. Allele origin: germline. Observed: 1 variant allele.
Comment: The p.Ala6356Ser variant in TTN has not been previously reported in individuals with cardiomyopathy, but has been identified in 1/11544 Latino chromosomes by th e Exome Aggregation Consortium (ExAC; dbSNP rs75 7523256). Computational prediction tools and conservation analysis do not provid e strong support for or against an impact to the protein. In summary, the clinic al significance of the p.Ala6356Ser variant is uncertain.

NM_001267550.2(TTN):c.22798G>T (p.Ala7600Ser)

Gene: TTN (titin; minus strand). Cytogenetic location: 2q31.2.
Variant type: single nucleotide variant.
Coding change: c.22798G>T on transcript NM_001267550.2 (MANE Select); coding-DNA position 22798, G replaced by T.
Protein change: p.Ala7600Ser; replaces alanine 7600 with serine.
Molecular consequence: missense variant. On other transcripts: intron variant (3).
Genome position (GRCh38, 1-based): chr2:178,721,865, C>A on the plus strand (G>T on the coding strand, the complement: TTN is on the minus strand). VCF-style: chr2-178721865-C-A. GRCh37 (hg19) VCF-style: chr2-179586592-C-A.
Other names: c.19066G>T, p.Ala6356Ser (NM_133378.4); c.21847G>T, p.Ala7283Ser (NM_001256850.1); c.13282+16217G>T (NM_003319.4); c.13858+16217G>T (NM_133437.4); c.13657+16217G>T (NM_133432.3); short protein forms A6356S, A7600S, A7283S.
Identifiers: ClinVar variation 505272 (VCV000505272.5), dbSNP rs757523256, ClinGen allele CA2000768.